The following is an entry in ClinVar:

ClinVar aggregate classification (germline): Uncertain significance. Review status: criteria provided, multiple submitters, no conflicts (2 of 4 stars). 2 submissions from 2 submitters: Uncertain significance (2). Last evaluated 2025-05-28.

Allele frequency attached by ClinVar (database versions not stated): ESP Exome Variant Server 0.00008; gnomAD 0.00020; ExAC 0.00021.
gnomAD v4.1: 191 of 1,611,682 alleles (0.012%); highest among the groups gnomAD compares: South Asian, 0.033%; no homozygotes.

Submissions (2):

Ambry Genetics
Classification: Uncertain significance. Last evaluated: 2025-05-28. Review status: criteria provided, single submitter. Criteria: Ambry Variant Classification Scheme 2023. Collection method: clinical testing. Allele origin: germline.

Labcorp Genetics (formerly Invitae), Labcorp
Classification: Uncertain significance. Last evaluated: 2024-03-01. Review status: criteria provided, single submitter. Criteria: Invitae Variant Classification Sherloc (09022015). Collection method: clinical testing. Allele origin: germline.
Comment: This sequence change replaces proline, which is neutral and non-polar, with leucine, which is neutral and non-polar, at codon 77 of the DYNC1I1 protein (p.Pro77Leu). This variant is present in population databases (rs199740432, gnomAD 0.05%). This variant has not been reported in the literature in individuals affected with DYNC1I1-related conditions. ClinVar contains an entry for this variant (Variation ID: 2198707). An algorithm developed to predict the effect of missense changes on protein structure and function (PolyPhen-2) suggests that this variant is likely to be tolerated. In summary, the available evidence is currently insufficient to determine the role of this variant in disease. Therefore, it has been classified as a Variant of Uncertain Significance.

NM_001135556.2(DYNC1I1):c.224-45C>T

Gene: DYNC1I1 (dynein cytoplasmic 1 intermediate chain 1; plus strand). Cytogenetic location: 7q21.3.
Variant type: single nucleotide variant.
Coding change: c.224-45C>T on transcript NM_001135556.2 (MANE Select); 45 bases into the intron before coding-DNA position 224, C replaced by T.
Molecular consequence: intron variant. On other transcripts: missense variant (2).
Genome position (GRCh38, 1-based): chr7:95,813,202, C>T. VCF-style: chr7-95813202-C-T. GRCh37 (hg19) VCF-style: chr7-95442514-C-T.
Other names: c.230C>T, p.Pro77Leu (NM_001278421.2, NM_004411.5); c.224-45C>T (NM_001278422.2, NM_001135557.2); c.230C>T (NM_004411.4); short protein forms P77L.
Identifiers: ClinVar variation 2198707 (VCV002198707.7), dbSNP rs199740432, ClinGen allele CA4352153.